The following is an entry in ClinVar:

ClinVar aggregate classification (germline): Likely benign (1 of 4 stars; one submission).

Submission:

CeGaT Center for Human Genetics Tuebingen
Classification: Likely benign. Last evaluated: 2023-12-01. Review status: criteria provided, single submitter. Criteria: CeGaT Center For Human Genetics Tuebingen Variant Classification Criteria Version 2. Collection method: clinical testing. Allele origin: germline. Affected: yes. Observed: 1 variant allele.
Comment: BPTF: PM2:Supporting, BP4, BP7

NM_182641.4(BPTF):c.297C>G (p.Gly99=)

Gene: BPTF (bromodomain PHD finger transcription factor; plus strand). Cytogenetic location: 17q24.2.
Variant type: single nucleotide variant.
Coding change: c.297C>G on transcript NM_182641.4 (MANE Select); coding-DNA position 297, C replaced by G.
Protein change: p.Gly99=; no amino-acid change (glycine 99 retained).
Molecular consequence: synonymous variant.
Genome position (GRCh38, 1-based): chr17:67,826,021, C>G. VCF-style: chr17-67826021-C-G. GRCh37 (hg19) VCF-style: chr17-65822137-C-G.
Other names: c.297C>G, p.Gly99= (NM_004459.7).
Identifiers: ClinVar variation 3026410 (VCV003026410.22), dbSNP rs1037252316, ClinGen allele CA293236584.